The following is an entry in ClinVar:

NM_000038.6(APC):c.2450G>T (p.Gly817Val)

Gene: APC (APC regulator of Wnt signaling pathway; plus strand). Cytogenetic location: 5q22.2.
Variant type: single nucleotide variant.
Coding change: c.2450G>T on transcript NM_000038.6 (MANE Select); coding-DNA position 2450, G replaced by T.
Protein change: p.Gly817Val; replaces glycine 817 with valine.
Molecular consequence: missense variant.
Genome position (GRCh38, 1-based): chr5:112,838,044, G>T. VCF-style: chr5-112838044-G-T. GRCh37 (hg19) VCF-style: chr5-112173741-G-T.
Other names: c.2450G>T, p.Gly817Val (NM_001127510.3, NM_001354895.2); c.2396G>T, p.Gly799Val (NM_001127511.3); c.2504G>T, p.Gly835Val (NM_001354896.2); c.2480G>T, p.Gly827Val (NM_001354897.2); c.2375G>T, p.Gly792Val (NM_001354898.2); c.2366G>T, p.Gly789Val (NM_001354899.2); c.2327G>T, p.Gly776Val (NM_001354900.2); c.2273G>T, p.Gly758Val (NM_001354901.2); and 5 more; short protein forms G716V, G758V, G789V, G799V, G534V, G657V, G726V, G827V.
Identifiers: ClinVar variation 662209 (VCV000662209.10), dbSNP rs1421356952, ClinGen allele CA16026715.

ClinVar aggregate classification (germline): Uncertain significance (1 of 4 stars; one submission).

Conditions:
Familial adenomatous polyposis 1 (FAP1). Also called: FAMILIAL ADENOMATOUS POLYPOSIS 1, ATTENUATED; POLYPOSIS, ADENOMATOUS INTESTINAL. Identifiers: MedGen C2713442, MONDO:0021056, OMIM 175100. Disease mechanism: loss of function.

Allele frequency attached by ClinVar (database versions not stated): TOPMed below 0.00001; gnomAD 0.00001.
gnomAD v4.1: 1 of 1,613,912 alleles (0.000062%); highest among the groups gnomAD compares: Admixed American, 0.0017%; no homozygotes.

Submission:

Labcorp Genetics (formerly Invitae), Labcorp
Classification: Uncertain significance for Familial adenomatous polyposis 1. Last evaluated: 2018-09-21. Review status: criteria provided, single submitter. Criteria: Invitae Variant Classification Sherloc (09022015). Collection method: clinical testing. Allele origin: germline.
Comment: In summary, the available evidence is currently insufficient to determine the role of this variant in disease. Therefore, it has been classified as a Variant of Uncertain Significance. Algorithms developed to predict the effect of missense changes on protein structure and function are either unavailable or do not agree on the potential impact of this missense change (SIFT: "Deleterious"; PolyPhen-2: "Benign"; Align-GVGD: "Class C0"). This variant has not been reported in the literature in individuals with APC-related disease. This variant is not present in population databases (ExAC no frequency). This sequence change replaces glycine with valine at codon 817 of the APC protein (p.Gly817Val). The glycine residue is highly conserved and there is a moderate physicochemical difference between glycine and valine.